The following is an entry in ClinVar:

ClinVar aggregate classification (germline): Uncertain significance (1 of 4 stars; one submission).

Submission:

Women's Health and Genetics/Laboratory Corporation of America, LabCorp
Classification: Uncertain significance. Last evaluated: 2024-09-13. Review status: criteria provided, single submitter. Criteria: LabCorp Variant Classification Summary - May 2015. Collection method: clinical testing. Allele origin: germline.
Comment: Variant summary: GHRHR c.283G>C (p.Asp95His) results in a non-conservative amino acid change located in the GPCR, family 2, extracellular hormone receptor domain (IPR001879) of the encoded protein sequence. Four of five in-silico tools predict a damaging effect of the variant on protein function. The variant was absent in 251490 control chromosomes. The available data on variant occurrences in the general population are insufficient to allow any conclusion about variant significance. To our knowledge, no occurrence of c.283G>C in individuals affected with Isolated growth hormone deficiency, type 4 and no experimental evidence demonstrating its impact on protein function have been reported. No submitters have cited clinical-significance assessments for this variant to ClinVar. Based on the evidence outlined above, the variant was classified as uncertain significance.

NM_000823.4(GHRHR):c.283G>C (p.Asp95His)

Gene: GHRHR (growth hormone releasing hormone receptor; plus strand). Cytogenetic location: 7p14.3.
Variant type: single nucleotide variant.
Coding change: c.283G>C on transcript NM_000823.4 (MANE Select); coding-DNA position 283, G replaced by C.
Protein change: p.Asp95His; replaces aspartic acid 95 with histidine.
Molecular consequence: missense variant.
Genome position (GRCh38, 1-based): chr7:30,969,881, G>C. VCF-style: chr7-30969881-G-C. GRCh37 (hg19) VCF-style: chr7-31009496-G-C.
Other names: short protein forms D95H.
Identifiers: ClinVar variation 3374822 (VCV003374822.1).